The following is an entry in ClinVar:

ClinVar aggregate classification (germline): Pathogenic. Review status: criteria provided, multiple submitters, no conflicts (2 of 4 stars). 2 submissions from 2 submitters: Pathogenic (2). Last evaluated 2025-06-18.

Conditions:
Hereditary cancer-predisposing syndrome. Also called: Neoplastic Syndromes, Hereditary; Tumor predisposition; Hereditary Cancer Syndrome; Hereditary neoplastic syndrome. Identifiers: Orphanet 140162, MedGen C0027672, MeSH D009386, MONDO:0015356.
Familial cancer of breast. Also called: BREAST CANCER, FAMILIAL; hereditary breast carcinoma; Hereditary breast cancer. Identifiers: Orphanet 227535, MedGen C0346153, MONDO:0016419, OMIM 114480. Disease mechanism: loss of function.

Submissions (2):

Labcorp Genetics (formerly Invitae), Labcorp
Classification: Pathogenic for Familial cancer of breast. Last evaluated: 2025-06-18. Review status: criteria provided, single submitter. Criteria: Invitae Variant Classification Sherloc (09022015). Collection method: clinical testing. Allele origin: germline.
Comment: This sequence change creates a premature translational stop signal (p.Leu275*) in the BARD1 gene. It is expected to result in an absent or disrupted protein product. Loss-of-function variants in BARD1 are known to be pathogenic (PMID: 20077502, 21344236). This variant is not present in population databases (gnomAD no frequency). This premature translational stop signal has been observed in individual(s) with breast cancer (PMID: 25452441). ClinVar contains an entry for this variant (Variation ID: 460766). For these reasons, this variant has been classified as Pathogenic.

Ambry Genetics
Classification: Pathogenic for Hereditary cancer-predisposing syndrome. Last evaluated: 2021-08-06. Review status: criteria provided, single submitter. Criteria: Ambry Variant Classification Scheme 2023. Collection method: clinical testing. Allele origin: germline.
Comment: The p.L275* pathogenic mutation (also known as c.824T>A), located in coding exon 4 of the BARD1 gene, results from a T to A substitution at nucleotide position 824. This changes the amino acid from a leucine to a stop codon within coding exon 4. This alteration has been detected in 1/1824 patients with triple-negative breast cancer who were unselected for a family history of breast or ovarian cancer (Couch FJ et al. J Clin Oncol, 2015 Feb;33:304-11). In addition to the clinical data presented in the literature, this alteration is expected to result in loss of function by premature protein truncation or nonsense-mediated mRNA decay. As such, this alteration is interpreted as a disease-causing mutation.

Literature cited by the submitters: PubMed 20077502 (cited by Labcorp Genetics (formerly Invitae), Labcorp); PubMed 21344236 (cited by Labcorp Genetics (formerly Invitae), Labcorp); PubMed 25452441 (cited by Labcorp Genetics (formerly Invitae), Labcorp and Ambry Genetics).

NM_000465.4(BARD1):c.824T>A (p.Leu275Ter)

Gene: BARD1 (BRCA1 associated RING domain 1; minus strand). Cytogenetic location: 2q35.
Variant type: single nucleotide variant.
Coding change: c.824T>A on transcript NM_000465.4 (MANE Select); coding-DNA position 824, T replaced by A.
Protein change: p.Leu275Ter; replaces leucine 275 with a stop codon.
Molecular consequence: nonsense. On other transcripts: non-coding transcript variant (2), intron variant (3).
Genome position (GRCh38, 1-based): chr2:214,781,050, A>T on the plus strand (T>A on the coding strand, the complement: BARD1 is on the minus strand). VCF-style: chr2-214781050-A-T. GRCh37 (hg19) VCF-style: chr2-215645774-A-T.
Other names: c.767T>A, p.Leu256Ter (NM_001282543.2); c.158+28362T>A (NM_001282548.2); c.215+16011T>A (NM_001282545.2); c.364+11247T>A (NM_001282549.2); short protein forms L275*, L256*.
Identifiers: ClinVar variation 460766 (VCV000460766.12), dbSNP rs765629130, ClinGen allele CA350455432.